The following is an entry in ClinVar:

NM_201253.3(CRB1):c.3055_3059dup (p.Met1020fs)

Gene: CRB1 (crumbs cell polarity complex component 1; plus strand). Cytogenetic location: 1q31.3.
Variant type: Duplication.
Coding change: c.3055_3059dup on transcript NM_201253.3 (MANE Select); coding-DNA positions 3055 to 3059, 5 bases duplicated (TATAT; older notation c.3055_3059dupTATAT).
Protein change: p.Met1020fs; shifts the reading frame from methionine 1020.
Molecular consequence: frameshift variant. On other transcripts: non-coding transcript variant (2), intron variant (1).
Genome position (GRCh38, 1-based): chr1:197,434,918-197,434,922, TATAT duplicated; duplicating any 5 consecutive bases within chr1:197,434,917-197,434,922 gives the same sequence; the c. name uses the placement nearest the transcript's 3' end. VCF-style (leftmost placement, unchanged base first): chr1-197434916-T-TTTATA. GRCh37 (hg19) VCF-style: chr1-197404046-T-TTTATA.
Other names: c.2719_2723dup, p.Met908fs (NM_001193640.2); c.2983_2987dup, p.Met996fs (NM_001257965.2); c.2129-682_2129-678dup (NM_001257966.2); short protein forms M1020fs, M908fs, M996fs.
Identifiers: ClinVar variation 2946448 (VCV002946448.3), dbSNP rs2528197857, ClinGen allele CA2586967864.
Genomic context (GRCh38, chr1:197,434,916, plus strand): 5'-TTCTTAATATTAGCATTCAAGATTCCAGATTATTCTTTCAATTGCAAAGTGGCAACAGCT[T>TTTATA]TTATATGCTAAGTCTGACAAGTTTGCAGTCAGTGAATGATGGCACATGGCACGAAGTGAC-3'

ClinVar aggregate classification (germline): Pathogenic (1 of 4 stars; one submission).

Conditions:
Leber congenital amaurosis 8 (LCA8). Identifiers: Orphanet 65, MedGen C3151202, MONDO:0013453, OMIM 613835.
Retinitis pigmentosa 12 (RP12). Also called: RP WITH OR WITHOUT PRESERVED PARAARTERIOLE RETINAL PIGMENT EPITHELIUM; RETINITIS PIGMENTOSA WITH OR WITHOUT PARAARTERIOLAR PRESERVATION OF RETINAL PIGMENT EPITHELIUM; RP WITH OR WITHOUT PPRPE. Identifiers: Orphanet 791, MedGen C1838647, MONDO:0010818, OMIM 600105.

Submission:

Labcorp Genetics (formerly Invitae), Labcorp
Classification: Pathogenic for Leber congenital amaurosis 8; Retinitis pigmentosa 12. Last evaluated: 2023-04-09. Review status: criteria provided, single submitter. Criteria: Invitae Variant Classification Sherloc (09022015). Collection method: clinical testing. Allele origin: germline.
Comment: This sequence change creates a premature translational stop signal (p.Met1020Ilefs*4) in the CRB1 gene. It is expected to result in an absent or disrupted protein product. Loss-of-function variants in CRB1 are known to be pathogenic (PMID: 10508521, 22065545, 23379534, 25412400, 26957898, 28041643, 29391521). This variant is not present in population databases (gnomAD no frequency). This premature translational stop signal has been observed in individual(s) with CRB1-related conditions (PMID: 35119454). For these reasons, this variant has been classified as Pathogenic.

Literature cited by the submitters: PubMed 10508521; PubMed 22065545; PubMed 23379534; PubMed 25412400; PubMed 26957898; PubMed 28041643; PubMed 29391521; PubMed 35119454.